The following is an entry in ClinVar:

ClinVar aggregate classification (germline): Likely benign. Review status: criteria provided, multiple submitters, no conflicts (2 of 4 stars). 2 submissions from 2 submitters: Likely benign (2). Last evaluated 2026-07-31.

Conditions:
DCTN1-related disorder. Also called: DCTN1-related condition.
Neuronopathy, distal hereditary motor, type 7B. Also called: HMN VIIB; LOWER MOTOR NEURON DISEASE, DYNACTIN TYPE; NEURONOPATHY, DISTAL HEREDITARY MOTOR, AUTOSOMAL DOMINANT 14; NEURONOPATHY, DISTAL HEREDITARY MOTOR, HARDING TYPE VIIB; NEUROPATHY, DISTAL HEREDITARY MOTOR, HARDING TYPE VIIB; NEUROPATHY, DISTAL HEREDITARY MOTOR, WITH VOCAL CORD PARALYSIS, HARDING TYPE VIIB. Identifiers: Orphanet 139589, MedGen C1843315, MONDO:0011879, OMIM 607641.
Perry syndrome. Also called: PARKINSONISM WITH ALVEOLAR HYPOVENTILATION AND MENTAL DEPRESSION. Identifiers: Orphanet 178509, MedGen C1868594, MONDO:0008201, OMIM 168605.
Amyotrophic lateral sclerosis type 1 (ALS1). Also called: AMYOTROPHIC LATERAL SCLEROSIS 1, FAMILIAL. Identifiers: Orphanet 803, MedGen C1862939, MONDO:0007103, OMIM 105400.

Allele frequency attached by ClinVar (database versions not stated): gnomAD 0.00001; gnomAD exomes 0.00001; TOPMed 0.00001; ExAC 0.00002; 1000 Genomes Project 30x 0.00016; 1000 Genomes Project 0.00020.

Submissions (2):

PreventionGenetics, part of Exact Sciences
Classification: Likely benign for DCTN1-related condition. Last evaluated: 2026-07-31. Review status: criteria provided, single submitter. Criteria: ACMG Guidelines, 2015. Collection method: clinical testing. Allele origin: germline.
Comment: This variant is classified as likely benign based on ACMG/AMP sequence variant interpretation guidelines (Richards et al. 2015 PMID: 25741868, with internal and published modifications).

Labcorp Genetics (formerly Invitae), Labcorp
Classification: Likely benign for Amyotrophic lateral sclerosis type 1; Neuronopathy, distal hereditary motor, type 7B; Perry syndrome. Last evaluated: 2023-04-03. Review status: criteria provided, single submitter. Criteria: Invitae Variant Classification Sherloc (09022015). Collection method: clinical testing. Allele origin: germline.

NM_004082.5(DCTN1):c.2467-6A>G

Gene: DCTN1 (dynactin subunit 1; minus strand). Cytogenetic location: 2p13.1.
Variant type: single nucleotide variant.
Coding change: c.2467-6A>G on transcript NM_004082.5 (MANE Select); 6 bases into the intron before coding-DNA position 2467, A replaced by G.
Molecular consequence: intron variant.
Genome position (GRCh38, 1-based): chr2:74,366,626, T>C on the plus strand (A>G on the coding strand, the complement: DCTN1 is on the minus strand). VCF-style: chr2-74366626-T-C. GRCh37 (hg19) VCF-style: chr2-74593753-T-C.
Other names: c.2356-6A>G (NM_001190836.2); c.2398-6A>G (NM_001378992.1); c.2416-6A>G (NM_001378991.1); c.2407-6A>G (NM_001135040.3); c.2446-6A>G (NM_001190837.2); c.2065-6A>G (NM_001135041.3, NM_023019.4).
Identifiers: ClinVar variation 762207 (VCV000762207.8), dbSNP rs150222185, ClinGen allele CA1721822.
Genomic context (GRCh38, chr2:74,366,626, plus strand): 5'-GCACAGCCACGACCCACGTCAAGTGTTTCCTGCAGTCTAGGAGCGTGTCAGATACCTGTG[T>C]GCCAGGCCAGAGTCAGGAGTCAACCCTGGGTTCAGCACCACAGTTTCCAGCTACCCCAAA-3'